The following is an entry in ClinVar:

ClinVar aggregate classification (germline): Uncertain significance (1 of 4 stars; one submission).

Conditions:
Hereditary cancer-predisposing syndrome. Also called: Neoplastic Syndromes, Hereditary; Tumor predisposition; Hereditary Cancer Syndrome; Hereditary neoplastic syndrome. Identifiers: Orphanet 140162, MedGen C0027672, MeSH D009386, MONDO:0015356.

Submission:

Ambry Genetics
Classification: Uncertain significance for Hereditary cancer-predisposing syndrome. Last evaluated: 2026-03-27. Review status: criteria provided, single submitter. Criteria: Ambry Variant Classification Scheme 2023. Collection method: clinical testing. Allele origin: germline.
Comment: The c.3594_3596delAAG variant (also known as p.R1199del) is located in coding exon 28 of the EGFR gene. This variant results from an in-frame AAG deletion at nucleotide positions 3594 to 3596. This results in the in-frame deletion of an arginine at codon 1199. This amino acid position is highly conserved in available vertebrate species. In addition, the in silico prediction for this variant is inconclusive (Choi Y et al. PLoS ONE. 2012; 7(10):e46688). Based on the available evidence, the clinical significance of this variant remains unclear.

NM_005228.5(EGFR):c.3594_3596del (p.Arg1199del)

Gene: EGFR (epidermal growth factor receptor; plus strand). Cytogenetic location: 7p11.2.
Variant type: Deletion.
Coding change: c.3594_3596del on transcript NM_005228.5 (MANE Select); coding-DNA positions 3594 to 3596, 3 bases deleted (AAG; older notation c.3594_3596delAAG).
Protein change: p.Arg1199del; deletes arginine 1199.
Molecular consequence: inframe deletion.
Genome position (GRCh38, 1-based): chr7:55,205,578-55,205,580, AAG deleted. VCF-style (leftmost placement, unchanged base first): chr7-55205577-TAAG-T. GRCh37 (hg19) VCF-style: chr7-55273270-TAAG-T.
Other names: c.3459_3461del, p.Arg1154del (NM_001346899.2); c.3435_3437del, p.Arg1146del (NM_001346900.2); c.2793_2795del, p.Arg932del (NM_001346941.2); short protein forms R1146del, R1154del, R1199del, R932del.
Identifiers: ClinVar variation 4870218 (VCV004870218.1).